The following is an entry in ClinVar:

ClinVar aggregate classification (germline): Uncertain significance (1 of 4 stars; one submission).

Conditions:
Cardiomyopathy (CMYO). Also called: Cardiomyopathies. Identifiers: Orphanet 167848, MedGen C0878544, MONDO:0004994, HP:0001638. Inheritance: Various modes of inheritance.

Submission:

Color Diagnostics, LLC DBA Color Health
Classification: Uncertain significance for Cardiomyopathy. Last evaluated: 2024-03-06. Review status: criteria provided, single submitter. Criteria: ACMG Guidelines, 2015. Collection method: clinical testing. Allele origin: germline.
Comment: This missense variant replaces aspartic acid with glycine at codon 786 of the MYBPC3 protein. Computational prediction is inconclusive regarding the impact of this variant on protein structure and function (internally defined REVEL score threshold 0.5 < inconclusive < 0.7, PMID: 27666373). To our knowledge, functional studies have not been reported for this variant. This variant has not been reported in individuals affected with cardiovascular disorders in the literature. This variant has not been identified in the general population by the Genome Aggregation Database (gnomAD). The available evidence is insufficient to determine the role of this variant in disease conclusively. Therefore, this variant is classified as a Variant of Uncertain Significance.

NM_000256.3(MYBPC3):c.2357A>G (p.Asp786Gly)

Gene: MYBPC3 (myosin binding protein C3; minus strand). Cytogenetic location: 11p11.2.
Variant type: single nucleotide variant.
Coding change: c.2357A>G on transcript NM_000256.3 (MANE Select); coding-DNA position 2357, A replaced by G.
Protein change: p.Asp786Gly; replaces aspartic acid 786 with glycine.
Molecular consequence: missense variant.
Genome position (GRCh38, 1-based): chr11:47,337,746, T>C on the plus strand (A>G on the coding strand, the complement: MYBPC3 is on the minus strand). VCF-style: chr11-47337746-T-C. GRCh37 (hg19) VCF-style: chr11-47359297-T-C.
Other names: short protein forms D786G.
Identifiers: ClinVar variation 1331889 (VCV001331889.3), dbSNP rs1595843879, ClinGen allele CA380318853.
Genomic context (GRCh38, chr11:47,337,746, plus strand): 5'-TCACCCAGGATGGGCTGCCCGCCATCGTAGGCAGGCGGCTCCCACTGTACTGTGCAGGAG[T>C]CCTCTCCCACGTTGCTGATCTTGGGGGCCGCAGGTGCGTCTGGCACGTCTGGATGGGGTG-3'
Protein context (NP_000247.2, residues 776-796): AAPKISNVGE[Asp786Gly]SCTVQWEPPA